The following is an entry in ClinVar:

NM_020975.6(RET):c.2561T>C (p.Phe854Ser)

Gene: RET (ret proto-oncogene; plus strand). Cytogenetic location: 10q11.21.
Variant type: single nucleotide variant.
Coding change: c.2561T>C on transcript NM_020975.6 (MANE Select); coding-DNA position 2561, T replaced by C.
Protein change: p.Phe854Ser; replaces phenylalanine 854 with serine.
Molecular consequence: missense variant.
Genome position (GRCh38, 1-based): chr10:43,119,699, T>C. VCF-style: chr10-43119699-T-C. GRCh37 (hg19) VCF-style: chr10-43615147-T-C.
Other names: c.2561T>C, p.Phe854Ser (NM_000323.2, NM_001406743.1, NM_001406744.1 and 4 more transcripts); c.1799T>C, p.Phe600Ser (NM_001355216.2); c.2432T>C, p.Phe811Ser (NM_001406761.1, NM_001406762.1, NM_001406764.1); c.2426T>C, p.Phe809Ser (NM_001406763.1, NM_001406765.1); c.2273T>C, p.Phe758Ser (NM_001406766.1, NM_001406767.1, NM_001406770.1); c.2297T>C, p.Phe766Ser (NM_001406768.1); c.2165T>C, p.Phe722Ser (NM_001406769.1, NM_001406772.1); c.2123T>C, p.Phe708Ser (NM_001406771.1, NM_001406773.1); and 10 more; short protein forms F600S, F854S, F459S, F515S, F524S, F555S, F612S, F708S.
Identifiers: ClinVar variation 942848 (VCV000942848.17), dbSNP rs1838163624, ClinGen allele CA16616756.

ClinVar aggregate classification (germline): Uncertain significance. Review status: criteria provided, multiple submitters, no conflicts (2 of 4 stars). 6 submissions from 6 submitters: Uncertain significance (6). Last evaluated 2025-12-23.

Conditions:
Multiple endocrine neoplasia, type 2 (MEN2). Identifiers: Orphanet 653, MedGen C4048306, MONDO:0019003. Disease mechanism: gain of function.
Hirschsprung disease, susceptibility to, 1 (HSCR1). Also called: RET-Related Hirschsprung Disease. Identifiers: Orphanet 388, MedGen C3888239, MONDO:0007723, OMIM 142623.
Multiple endocrine neoplasia type 2B. Also called: MEN IIB; NEUROMATA, MUCOSAL, WITH ENDOCRINE TUMORS; MEN 2B; MUCOSAL NEUROMA SYNDROME; WAGENMANN-FROBOESE SYNDROME; MULTIPLE ENDOCRINE NEOPLASIA, TYPE III. Identifiers: Orphanet 247709, Orphanet 653, MedGen C0025269, MeSH D018814, MONDO:0008082, OMIM 162300.
Hereditary cancer-predisposing syndrome. Also called: Hereditary neoplastic syndrome; Neoplastic Syndromes, Hereditary; Hereditary Cancer Syndrome; Tumor predisposition. Identifiers: Orphanet 140162, MedGen C0027672, MeSH D009386, MONDO:0015356.

Allele frequency attached by ClinVar (database versions not stated): gnomAD exomes below 0.00001.
gnomAD v4.1: 1 of 1,613,536 alleles (0.000062%); highest among the groups gnomAD compares: Middle Eastern, 0.017%; no homozygotes.

Submissions (6):

Dasa
Classification: Uncertain significance. Last evaluated: 2025-12-23. Review status: criteria provided, single submitter. Criteria: DASA Assertion Criteria. Collection method: clinical testing. Allele origin: germline.
Comment: NM_020975.6(RET):c.2561T>C (p.Phe854Ser) is a missense variant that results in the substitution of phenylalanine with serine. This variant is rare in population databases. Computational prediction algorithms are consistent with a deleterious effect. The currently available literature and clinical evidence are not sufficient to establish a definitive association between this variant and the reported condition. Therefore, this variant is classified as a variant of uncertain significance.

Ambry Genetics
Classification: Uncertain significance for Hereditary cancer-predisposing syndrome. Last evaluated: 2025-11-07. Review status: criteria provided, single submitter. Criteria: Ambry Variant Classification Scheme 2023. Collection method: clinical testing. Allele origin: germline.
Comment: The p.F854S variant (also known as c.2561T>C), located in coding exon 14 of the RET gene, results from a T to C substitution at nucleotide position 2561. The phenylalanine at codon 854 is replaced by serine, an amino acid with highly dissimilar properties. This amino acid position is highly conserved in available vertebrate species. In addition, this alteration is predicted to be deleterious by in silico analysis. Since supporting evidence is limited at this time, the clinical significance of this alteration remains unclear.

Labcorp Genetics (formerly Invitae), Labcorp
Classification: Uncertain significance for Multiple endocrine neoplasia, type 2. Last evaluated: 2025-11-03. Review status: criteria provided, single submitter. Criteria: Invitae Variant Classification Sherloc (09022015). Collection method: clinical testing. Allele origin: germline.
Comment: This sequence change replaces phenylalanine, which is neutral and non-polar, with serine, which is neutral and polar, at codon 854 of the RET protein (p.Phe854Ser). This variant is not present in population databases (gnomAD no frequency). This variant has not been reported in the literature in individuals affected with RET-related conditions. ClinVar contains an entry for this variant (Variation ID: 942848). An algorithm developed to predict the effect of missense changes on protein structure and function (PolyPhen-2) suggests that this variant is likely to be disruptive. In summary, the available evidence is currently insufficient to determine the role of this variant in disease. Therefore, it has been classified as a Variant of Uncertain Significance.

All of Us Research Program, National Institutes of Health
Classification: Uncertain significance for Multiple endocrine neoplasia, type 2. Last evaluated: 2024-07-20. Review status: criteria provided, single submitter. Criteria: ACMG Guidelines, 2015. Collection method: clinical testing. Allele origin: germline. Inheritance: Autosomal dominant inheritance. Observed: 1 variant allele, 1 heterozygote.
Comment: This missense variant replaces phenylalanine with serine at codon 854 of the RET protein. Computational prediction suggests that this variant may have deleterious impact on protein structure and function (internally defined REVEL score threshold >= 0.7, PMID: 27666373). To our knowledge, functional studies have not been reported for this variant. This variant has not been reported in individuals affected with RET-related disorders in the literature. This variant has not been identified in the general population by the Genome Aggregation Database (gnomAD). The available evidence is insufficient to determine the role of this variant in disease conclusively. Therefore, this variant is classified as a Variant of Uncertain Significance.

This study involves interpretation of variants in research participants for the purpose of population health screening. Participant phenotype was not available at the time of variant classification. Additional details can be found in publication PMID: 35346344, PMCID: PMC8962531

Baylor Genetics
Classification: Uncertain significance for Hirschsprung disease, susceptibility to, 1. Last evaluated: 2023-12-18. Review status: criteria provided, single submitter. Criteria: ACMG Guidelines, 2015. Collection method: clinical testing. Allele origin: unknown.

KCCC/NGS Laboratory, Kuwait Cancer Control Center
Classification: Uncertain significance for Multiple endocrine neoplasia type 2B. Last evaluated: 2023-07-07. Review status: criteria provided, single submitter. Criteria: ACMG Guidelines, 2015. Collection method: clinical testing. Allele origin: unknown. Affected: yes.
Comment: This variant is a missense mutation that substitutes one amino for another. This mutation is NOT one of the known disease‐causing mutations in the RET gene. Therefore, the possibility of developing one of the medical conditions related to pathogenic mutations in the RET gene is unknown at this time.